The following is an entry in ClinVar:

ClinVar aggregate classification (germline): Uncertain significance (1 of 4 stars; one submission).

Allele frequency attached by ClinVar (database versions not stated): gnomAD exomes below 0.00001 and 0.00001; TOPMed below 0.00001; gnomAD 0.00001; ExAC 0.00002; 1000 Genomes Project 30x 0.00016; 1000 Genomes Project 0.00020.
gnomAD v4.1: 4 of 1,613,474 alleles (0.00025%); highest among the groups gnomAD compares: South Asian, 0.0011%; no homozygotes.

Submission:

Labcorp Genetics (formerly Invitae), Labcorp
Classification: Uncertain significance. Last evaluated: 2026-01-05. Review status: criteria provided, single submitter. Criteria: Invitae Variant Classification Sherloc (09022015). Collection method: clinical testing. Allele origin: germline.
Comment: This sequence change falls in intron 4 of the STN1 gene. It does not directly change the encoded amino acid sequence of the STN1 protein. It affects a nucleotide within the consensus splice site. This variant is present in population databases (rs571436832, gnomAD 0.003%). This variant has not been reported in the literature in individuals affected with STN1-related conditions. ClinVar contains an entry for this variant (Variation ID: 1524849). Variants that disrupt the consensus splice site are a relatively common cause of aberrant splicing (PMID: 17576681, 9536098). Algorithms developed to predict the effect of sequence changes on RNA splicing suggest that this variant is not likely to affect RNA splicing. In summary, the available evidence is currently insufficient to determine the role of this variant in disease. Therefore, it has been classified as a Variant of Uncertain Significance.

Literature cited by the submitters: PubMed 17576681; PubMed 9536098.

NM_024928.5(STN1):c.296-3C>T

Gene: STN1 (STN1 subunit of CST complex; minus strand). Cytogenetic location: 10q24.33.
Variant type: single nucleotide variant.
Coding change: c.296-3C>T on transcript NM_024928.5 (MANE Select); 3 bases into the intron before coding-DNA position 296, C replaced by T.
Molecular consequence: intron variant.
Genome position (GRCh38, 1-based): chr10:103,900,226, G>A on the plus strand (C>T on the coding strand, the complement: STN1 is on the minus strand). VCF-style: chr10-103900226-G-A. GRCh37 (hg19) VCF-style: chr10-105659984-G-A.
Identifiers: ClinVar variation 1524849 (VCV001524849.4), dbSNP rs571436832, ClinGen allele CA5676652.